The following is an entry in ClinVar:

NM_001127649.3(PEX26):c.441C>T (p.Asp147=)

Gene: PEX26 (peroxisomal biogenesis factor 26; plus strand). Cytogenetic location: 22q11.21.
Variant type: single nucleotide variant.
Coding change: c.441C>T on transcript NM_001127649.3 (MANE Select); coding-DNA position 441, C replaced by T.
Protein change: p.Asp147=; no amino-acid change (aspartic acid 147 retained).
Molecular consequence: synonymous variant.
Genome position (GRCh38, 1-based): chr22:18,083,506, C>T. VCF-style: chr22-18083506-C-T. GRCh37 (hg19) VCF-style: chr22-18566272-C-T.
Other names: c.441C>T, p.Asp147= (NM_001199319.2, NM_017929.6).
Identifiers: ClinVar variation 502759 (VCV000502759.18), dbSNP rs770611373, ClinGen allele CA10093328.

ClinVar aggregate classification (germline): Conflicting classifications of pathogenicity. Review status: criteria provided, conflicting classifications (1 of 4 stars). 4 submissions from 4 submitters: Uncertain significance (1); Likely benign (2). 1 of the submissions does not count toward it. Last evaluated 2026-02-03.

Conditions:
Peroxisome biogenesis disorder 7B (PBD7B). Identifiers: Orphanet 44, MedGen C3553951, MONDO:0013939, OMIM 614873.
Peroxisome biogenesis disorder 7A (Zellweger). Also called: Peroxisome biogenesis disorder 7A. Identifiers: Orphanet 912, MedGen C3888385, MONDO:0013938, OMIM 614872.
PEX26-related disorder. Also called: PEX26-related condition.

Allele frequency attached by ClinVar (database versions not stated): gnomAD 0.00005 and 0.00006; gnomAD exomes 0.00008 and 0.00017; TOPMed 0.00009; ExAC 0.00016.
gnomAD v4.1: 54 of 1,613,920 alleles (0.0033%); highest among the groups gnomAD compares: Admixed American, 0.088%; no homozygotes.

Submissions (4):

Labcorp Genetics (formerly Invitae), Labcorp
Classification: Likely benign for Peroxisome biogenesis disorder 7A (Zellweger); Peroxisome biogenesis disorder 7B. Last evaluated: 2026-02-03. Review status: criteria provided, single submitter. Criteria: Invitae Variant Classification Sherloc (09022015). Collection method: clinical testing. Allele origin: germline.

Blueprint Genetics
Classification: Likely benign. Last evaluated: 2021-06-15. Review status: criteria provided, single submitter. Criteria: ACMG Guidelines, 2015. Collection method: clinical testing. Allele origin: germline.

Eurofins Ntd Llc (ga)
Classification: Uncertain significance. Last evaluated: 2018-03-30. Review status: criteria provided, single submitter. Criteria: EGL ClinVar v180209 classification definitions. Collection method: clinical testing. Allele origin: germline. Observed: 3 variant alleles, 3 heterozygotes.

PreventionGenetics, part of Exact Sciences
Classification: Likely benign for PEX26-related condition. Last evaluated: 2021-03-19. Review status: no assertion criteria provided. Collection method: clinical testing. Allele origin: germline. Not counted in ClinVar's aggregate classification.
Comment: This variant is classified as likely benign based on ACMG/AMP sequence variant interpretation guidelines (Richards et al. 2015 PMID: 25741868, with internal and published modifications).